The following is an entry in ClinVar:

ClinVar aggregate classification (germline): Uncertain significance (1 of 4 stars; one submission).

gnomAD v4.1: 2 of 1,613,236 alleles (0.00012%); no homozygotes.

Submission:

Labcorp Genetics (formerly Invitae), Labcorp
Classification: Uncertain significance. Last evaluated: 2024-06-21. Review status: criteria provided, single submitter. Criteria: Invitae Variant Classification Sherloc (09022015). Collection method: clinical testing. Allele origin: germline.
Comment: This sequence change replaces glutamic acid, which is acidic and polar, with glycine, which is neutral and non-polar, at codon 427 of the CCDC50 protein (p.Glu427Gly). This variant is not present in population databases (gnomAD no frequency). This variant has not been reported in the literature in individuals affected with CCDC50-related conditions. An algorithm developed to predict the effect of missense changes on protein structure and function (PolyPhen-2) suggests that this variant is likely to be disruptive. In summary, the available evidence is currently insufficient to determine the role of this variant in disease. Therefore, it has been classified as a Variant of Uncertain Significance.

NM_178335.3(CCDC50):c.1280A>G (p.Glu427Gly)

Gene: CCDC50 (coiled-coil domain containing 50; plus strand). Cytogenetic location: 3q28.
Variant type: single nucleotide variant.
Coding change: c.1280A>G on transcript NM_178335.3 (MANE Select); coding-DNA position 1280, A replaced by G.
Protein change: p.Glu427Gly; replaces glutamic acid 427 with glycine.
Molecular consequence: missense variant.
Genome position (GRCh38, 1-based): chr3:191,382,783, A>G. VCF-style: chr3-191382783-A-G. GRCh37 (hg19) VCF-style: chr3-191100572-A-G.
Other names: c.752A>G, p.Glu251Gly (NM_174908.4); short protein forms E251G, E427G.
Identifiers: ClinVar variation 3682031 (VCV003682031.2).